The following is an entry in ClinVar:

ClinVar aggregate classification (germline): Uncertain significance (1 of 4 stars; one submission).

Allele frequency attached by ClinVar (database versions not stated): ExAC 0.00002; gnomAD 0.00001; gnomAD exomes 0.00001; TOPMed 0.00003.

Submission:

Labcorp Genetics (formerly Invitae), Labcorp
Classification: Uncertain significance. Last evaluated: 2022-01-04. Review status: criteria provided, single submitter. Criteria: Invitae Variant Classification Sherloc (09022015). Collection method: clinical testing. Allele origin: germline.
Comment: This variant has not been reported in the literature in individuals affected with FAT1-related conditions. This variant is present in population databases (rs749916134, gnomAD 0.009%). This sequence change replaces leucine, which is neutral and non-polar, with serine, which is neutral and polar, at codon 423 of the FAT1 protein (p.Leu423Ser). Algorithms developed to predict the effect of missense changes on protein structure and function output the following: SIFT: "Tolerated"; PolyPhen-2: "Benign"; Align-GVGD: "Class C0". The serine amino acid residue is found in multiple mammalian species, which suggests that this missense change does not adversely affect protein function. In summary, the available evidence is currently insufficient to determine the role of this variant in disease. Therefore, it has been classified as a Variant of Uncertain Significance.

NM_005245.4(FAT1):c.1268T>C (p.Leu423Ser)

Gene: FAT1 (FAT atypical cadherin 1; minus strand). Cytogenetic location: 4q35.2.
Variant type: single nucleotide variant.
Coding change: c.1268T>C on transcript NM_005245.4 (MANE Select); coding-DNA position 1268, T replaced by C.
Protein change: p.Leu423Ser; replaces leucine 423 with serine.
Molecular consequence: missense variant.
Genome position (GRCh38, 1-based): chr4:186,708,560, A>G on the plus strand (T>C on the coding strand, the complement: FAT1 is on the minus strand). VCF-style: chr4-186708560-A-G. GRCh37 (hg19) VCF-style: chr4-187629714-A-G.
Other names: short protein forms L423S.
Identifiers: ClinVar variation 2062957 (VCV002062957.4), dbSNP rs749916134, ClinGen allele CA3167500.